The following is an entry in ClinVar:

ClinVar aggregate classification (germline): Conflicting classifications of pathogenicity. Review status: criteria provided, conflicting classifications (1 of 4 stars). 4 submissions from 3 submitters: Uncertain significance (2); Benign (1); Likely benign (1). Last evaluated 2026-06-16.

Conditions:
Gastrointestinal stromal tumor. Also called: Gastrointestinal stroma tumor; Gastrointestinal stromal tumor, somatic. Identifiers: Orphanet 44890, MedGen C0238198, MeSH D046152, MONDO:0011719, OMIM 606764, HP:0100723.
Polyps, multiple and recurrent inflammatory fibroid, gastrointestinal. Identifiers: MedGen C5193005, MONDO:0008285, OMIM 175510.
Idiopathic hypereosinophilic syndrome (HES). Identifiers: Orphanet 3260, MedGen C0206141, MONDO:0011895, OMIM 607685. Disease mechanism: gain of function.

Submissions (4):

Myriad Genetics, Inc.
Classification: Benign for Polyps, multiple and recurrent inflammatory fibroid, gastrointestinal. Last evaluated: 2026-06-16. Review status: criteria provided, single submitter. Criteria: Myriad Autosomal Dominant, Autosomal Recessive and X-Linked Classification Criteria (2023). Collection method: clinical testing. Allele origin: unknown.
Comment: This variant is considered benign. This variant is a silent/synonymous amino acid change and it is not expected to impact splicing.

Labcorp Genetics (formerly Invitae), Labcorp
Classification: Likely benign for Gastrointestinal stromal tumor. Last evaluated: 2020-03-08. Review status: criteria provided, single submitter. Criteria: Invitae Variant Classification Sherloc (09022015). Collection method: clinical testing. Allele origin: germline.

Illumina Laboratory Services, Illumina
Classification: Uncertain significance for Idiopathic hypereosinophilic syndrome. Last evaluated: 2017-04-28. Review status: criteria provided, single submitter. Criteria: ICSL Variant Classification Criteria 13 December 2019. Collection method: clinical testing. Allele origin: germline.

Illumina Laboratory Services, Illumina
Classification: Uncertain significance for Gastrointestinal stromal tumor. Last evaluated: 2017-04-28. Review status: criteria provided, single submitter. Criteria: ICSL Variant Classification Criteria 13 December 2019. Collection method: clinical testing. Allele origin: germline.

NM_006206.6(PDGFRA):c.480C>T (p.Thr160=)

Gene: PDGFRA (platelet derived growth factor receptor alpha; plus strand). Cytogenetic location: 4q12.
Variant type: single nucleotide variant.
Coding change: c.480C>T on transcript NM_006206.6 (MANE Select); coding-DNA position 480, C replaced by T.
Protein change: p.Thr160=; no amino-acid change (threonine 160 retained).
Molecular consequence: synonymous variant.
Genome position (GRCh38, 1-based): chr4:54,263,779, C>T. VCF-style: chr4-54263779-C-T. GRCh37 (hg19) VCF-style: chr4-55129946-C-T.
Other names: c.480C>T, p.Thr160= (NM_001347827.2, NM_001347829.2); c.555C>T, p.Thr185= (NM_001347828.2); c.519C>T, p.Thr173= (NM_001347830.2).
Identifiers: ClinVar variation 902210 (VCV000902210.15), dbSNP rs1461385164, ClinGen allele CA439408758.